The following is an entry in ClinVar:

ClinVar aggregate classification (germline): Uncertain significance (1 of 4 stars; one submission).

Submission:

Labcorp Genetics (formerly Invitae), Labcorp
Classification: Uncertain significance. Last evaluated: 2022-08-22. Review status: criteria provided, single submitter. Criteria: Invitae Variant Classification Sherloc (09022015). Collection method: clinical testing. Allele origin: germline.
Comment: This sequence change replaces serine, which is neutral and polar, with tyrosine, which is neutral and polar, at codon 598 of the DNAH9 protein (p.Ser598Tyr). This variant is not present in population databases (gnomAD no frequency). In summary, the available evidence is currently insufficient to determine the role of this variant in disease. Therefore, it has been classified as a Variant of Uncertain Significance. Algorithms developed to predict the effect of missense changes on protein structure and function are either unavailable or do not agree on the potential impact of this missense change (SIFT: "Deleterious"; PolyPhen-2: "Benign"; Align-GVGD: "Class C0"). This variant has not been reported in the literature in individuals affected with DNAH9-related conditions.

NM_001372.4(DNAH9):c.1793C>A (p.Ser598Tyr)

Gene: DNAH9 (dynein axonemal heavy chain 9; plus strand). Cytogenetic location: 17p12.
Variant type: single nucleotide variant.
Coding change: c.1793C>A on transcript NM_001372.4 (MANE Select); coding-DNA position 1793, C replaced by A.
Protein change: p.Ser598Tyr; replaces serine 598 with tyrosine.
Molecular consequence: missense variant.
Genome position (GRCh38, 1-based): chr17:11,640,276, C>A. VCF-style: chr17-11640276-C-A. GRCh37 (hg19) VCF-style: chr17-11543593-C-A.
Other names: short protein forms S598Y.
Identifiers: ClinVar variation 2134562 (VCV002134562.4), dbSNP rs1453162630, ClinGen allele CA398169316.